The following is an entry in ClinVar:

ClinVar aggregate classification (germline): Uncertain significance (1 of 4 stars; one submission).

gnomAD v4.1: 13 of 1,614,074 alleles (0.00081%); highest among the groups gnomAD compares: African/African-American, 0.011%; no homozygotes.

Submission:

Labcorp Genetics (formerly Invitae), Labcorp
Classification: Uncertain significance. Last evaluated: 2025-06-04. Review status: criteria provided, single submitter. Criteria: Invitae Variant Classification Sherloc (09022015). Collection method: clinical testing. Allele origin: germline.
Comment: This sequence change replaces cysteine, which is neutral and slightly polar, with tyrosine, which is neutral and polar, at codon 386 of the KANK1 protein (p.Cys386Tyr). This variant is present in population databases (rs777407761, gnomAD 0.02%). This variant has not been reported in the literature in individuals affected with KANK1-related conditions. Invitae Evidence Modeling of protein sequence and biophysical properties (such as structural, functional, and spatial information, amino acid conservation, physicochemical variation, residue mobility, and thermodynamic stability) indicates that this missense variant is not expected to disrupt KANK1 protein function with a negative predictive value of 80%. In summary, the available evidence is currently insufficient to determine the role of this variant in disease. Therefore, it has been classified as a Variant of Uncertain Significance.

NM_015158.5(KANK1):c.1157G>A (p.Cys386Tyr)

Gene: KANK1 (KN motif and ankyrin repeat domains 1; plus strand). Cytogenetic location: 9p24.3.
Variant type: single nucleotide variant.
Coding change: c.1157G>A on transcript NM_015158.5 (MANE Select); coding-DNA position 1157, G replaced by A.
Protein change: p.Cys386Tyr; replaces cysteine 386 with tyrosine.
Molecular consequence: missense variant. On other transcripts: non-coding transcript variant (1).
Genome position (GRCh38, 1-based): chr9:711,923, G>A. VCF-style: chr9-711923-G-A. GRCh37 (hg19) VCF-style: chr9-711923-G-A.
Other names: c.1157G>A, p.Cys386Tyr (NM_001256876.3, NM_001256877.3, NM_001354331.2 and 3 more transcripts); c.683G>A, p.Cys228Tyr (NM_001354333.2, NM_001354335.2, NM_001354336.2 and 10 more transcripts); short protein forms C228Y, C386Y.
Identifiers: ClinVar variation 4748185 (VCV004748185.1).
Genomic context (GRCh38, chr9:711,923, plus strand): 5'-AGTTCCGGCAACTTACAGCAGACATGCAAGCCCTGGAGCAGAAGATCCAGGACAGCAGCT[G>A]TGAGGCCTCCTCAGAGCTCAGGGAGAATGGAGAGTGCCGGTCTGTGGCTGTGGGTGCCGA-3'
Protein context (NP_055973.2, residues 376-396): ALEQKIQDSS[Cys386Tyr]EASSELRENG